The following is an entry in ClinVar:

NM_019074.4(DLL4):c.1240G>A (p.Gly414Arg)

Gene: DLL4 (delta like canonical Notch ligand 4; plus strand). Cytogenetic location: 15q15.1.
Variant type: single nucleotide variant.
Coding change: c.1240G>A on transcript NM_019074.4 (MANE Select); coding-DNA position 1240, G replaced by A.
Protein change: p.Gly414Arg; replaces glycine 414 with arginine.
Molecular consequence: missense variant.
Genome position (GRCh38, 1-based): chr15:40,935,117, G>A. VCF-style: chr15-40935117-G-A. GRCh37 (hg19) VCF-style: chr15-41227315-G-A.
Other names: short protein forms G414R.
Identifiers: ClinVar variation 2082857 (VCV002082857.4), dbSNP rs2542548141, ClinGen allele CA391779261.

ClinVar aggregate classification (germline): Pathogenic (1 of 4 stars; one submission).

Submission:

Labcorp Genetics (formerly Invitae), Labcorp
Classification: Pathogenic. Last evaluated: 2022-02-07. Review status: criteria provided, single submitter. Criteria: Invitae Variant Classification Sherloc (09022015). Collection method: clinical testing. Allele origin: germline.
Comment: This variant is not present in population databases (gnomAD no frequency). For these reasons, this variant has been classified as Pathogenic. Variants that disrupt the consensus splice site are a relatively common cause of aberrant splicing (PMID: 17576681, 9536098). Algorithms developed to predict the effect of sequence changes on RNA splicing suggest that this variant may disrupt the consensus splice site. Algorithms developed to predict the effect of missense changes on protein structure and function are either unavailable or do not agree on the potential impact of this missense change (SIFT: "Deleterious"; PolyPhen-2: "Probably Damaging"; Align-GVGD: "Class C0"). This missense change has been observed in individual(s) with clinical features of Adams-Oliver syndrome (Invitae). In at least one individual the variant was observed to be de novo. This sequence change replaces glycine, which is neutral and non-polar, with arginine, which is basic and polar, at codon 414 of the DLL4 protein (p.Gly414Arg). This variant also falls at the last nucleotide of exon 8, which is part of the consensus splice site for this exon.

Literature cited by the submitters: PubMed 17576681; PubMed 9536098.